The following is an entry in ClinVar:

ClinVar aggregate classification (germline): Uncertain significance. Review status: criteria provided, multiple submitters, no conflicts (2 of 4 stars). 2 submissions from 2 submitters: Uncertain significance (2). Last evaluated 2023-02-02.

Conditions:
Cardiovascular phenotype. Identifiers: MedGen CN230736.

Allele frequency attached by ClinVar (database versions not stated): gnomAD exomes 0.00001; TOPMed 0.00001; ExAC 0.00005.
gnomAD v4.1: 19 of 1,550,390 alleles (0.0012%); highest among the groups gnomAD compares: Non-Finnish European, 0.0016%; no homozygotes.

Submissions (2):

Ambry Genetics
Classification: Uncertain significance for Cardiovascular phenotype. Last evaluated: 2023-02-02. Review status: criteria provided, single submitter. Criteria: Ambry Variant Classification Scheme 2023. Collection method: clinical testing. Allele origin: germline.
Comment: The p.G1978R variant (also known as c.5932G>A), located in coding exon 2 of the ZNF469 gene, results from a G to A substitution at nucleotide position 5932. The glycine at codon 1978 is replaced by arginine, an amino acid with dissimilar properties. This amino acid position is conserved. In addition, this alteration is predicted to be tolerated by in silico analysis. Since supporting evidence is limited at this time, the clinical significance of this alteration remains unclear.

Labcorp Genetics (formerly Invitae), Labcorp
Classification: Uncertain significance. Last evaluated: 2022-01-28. Review status: criteria provided, single submitter. Criteria: Invitae Variant Classification Sherloc (09022015). Collection method: clinical testing. Allele origin: germline.
Comment: This sequence change replaces glycine, which is neutral and non-polar, with arginine, which is basic and polar, at codon 1978 of the ZNF469 protein (p.Gly1978Arg). This variant is present in population databases (rs752527135, gnomAD 0.004%). This variant has not been reported in the literature in individuals affected with ZNF469-related conditions. Algorithms developed to predict the effect of missense changes on protein structure and function output the following: SIFT: "Tolerated"; PolyPhen-2: "Benign"; Align-GVGD: "Class C0". The arginine amino acid residue is found in multiple mammalian species, which suggests that this missense change does not adversely affect protein function. In summary, the available evidence is currently insufficient to determine the role of this variant in disease. Therefore, it has been classified as a Variant of Uncertain Significance.

NM_001367624.2(ZNF469):c.6016G>A (p.Gly2006Arg)

Gene: ZNF469 (zinc finger protein 469; plus strand). Cytogenetic location: 16q24.2.
Variant type: single nucleotide variant.
Coding change: c.6016G>A on transcript NM_001367624.2 (MANE Select); coding-DNA position 6016, G replaced by A.
Protein change: p.Gly2006Arg; replaces glycine 2006 with arginine.
Molecular consequence: missense variant.
Genome position (GRCh38, 1-based): chr16:88,433,486, G>A. VCF-style: chr16-88433486-G-A. GRCh37 (hg19) VCF-style: chr16-88499894-G-A.
Other names: NM_001127464.1:c.5932G>A; short protein forms G2006R.
Identifiers: ClinVar variation 1500855 (VCV001500855.5), dbSNP rs752527135, ClinGen allele CA8225119.